The following is an entry in ClinVar:

NM_001369268.1(ACAN):c.4149T>C (p.Thr1383=)

Gene: ACAN (aggrecan; plus strand). Cytogenetic location: 15q26.1.
Variant type: single nucleotide variant.
Coding change: c.4149T>C on transcript NM_001369268.1 (MANE Select); coding-DNA position 4149, T replaced by C.
Protein change: p.Thr1383=; no amino-acid change (threonine 1383 retained).
Molecular consequence: synonymous variant.
Genome position (GRCh38, 1-based): chr15:88,856,734, T>C. VCF-style: chr15-88856734-T-C. GRCh37 (hg19) VCF-style: chr15-89399965-T-C.
Other names: c.4149T>C, p.Thr1383= (NM_001135.4, NM_001411096.1, NM_001411097.1 and 1 more transcripts).
Identifiers: ClinVar variation 2645674 (VCV002645674.24), dbSNP rs1292372608, ClinGen allele CA492285997.

ClinVar aggregate classification (germline): Likely benign (1 of 4 stars; one submission).

Submission:

CeGaT Center for Human Genetics Tuebingen
Classification: Likely benign. Last evaluated: 2026-06-01. Review status: criteria provided, single submitter. Criteria: CeGaT Center For Human Genetics Tuebingen Variant Classification Criteria Version 2. Collection method: clinical testing. Allele origin: germline. Affected: yes. Observed: 2 variant alleles.
Comment: ACAN: BP4, BP7